The following is an entry in ClinVar:

ClinVar aggregate classification (germline): Conflicting classifications of pathogenicity. Review status: criteria provided, conflicting classifications (1 of 4 stars). 4 submissions from 4 submitters: Pathogenic (1); Likely pathogenic (1); Uncertain significance (2). Last evaluated 2025-03-13.

Conditions:
Hereditary cancer-predisposing syndrome. Also called: Hereditary neoplastic syndrome; Tumor predisposition; Neoplastic Syndromes, Hereditary; Hereditary Cancer Syndrome. Identifiers: Orphanet 140162, MedGen C0027672, MeSH D009386, MONDO:0015356.
Birt-Hogg-Dube syndrome. Also called: Birt Hogg Dubé syndrome. Identifiers: Orphanet 122, MedGen C0346010, MONDO:0800444.
Familial spontaneous pneumothorax (PSP). Identifiers: Orphanet 2903, MedGen C1868193, MONDO:0008259, OMIM 173600.

Submissions (4):

Labcorp Genetics (formerly Invitae), Labcorp
Classification: Pathogenic for Birt-Hogg-Dube syndrome. Last evaluated: 2025-03-13. Review status: criteria provided, single submitter. Criteria: Invitae Variant Classification Sherloc (09022015). Collection method: clinical testing. Allele origin: germline.
Comment: This sequence change falls in intron 8 of the FLCN gene. It does not directly change the encoded amino acid sequence of the FLCN protein. RNA analysis indicates that this variant induces altered splicing and may result in an absent or altered protein product. This variant is not present in population databases (gnomAD no frequency). This variant has been observed in individual(s) with clinical features of FLCN-related conditions (external communication, internal data). It has also been observed to segregate with disease in related individuals. ClinVar contains an entry for this variant (Variation ID: 1709707). Studies have shown that this variant results in activation of a cryptic splice site, and produces a non-functional protein and/or introduces a premature termination codon (internal data). For these reasons, this variant has been classified as Pathogenic.

Ambry Genetics
Classification: Likely pathogenic for Hereditary cancer-predisposing syndrome. Last evaluated: 2025-01-08. Review status: criteria provided, single submitter. Criteria: Ambry Variant Classification Scheme 2023. Collection method: clinical testing. Allele origin: germline.
Comment: The c.871+132G>T intronic variant results from a G to T substitution 132 nucleotides after coding exon 5 in the FLCN gene. This nucleotide position is not well conserved in available vertebrate species. In silico splice site analysis predicts that this alteration will result in the creation or strengthening of a novel splice donor site. RNA studies have demonstrated that this alteration results in abnormal splicing in the set of samples tested (Ambry internal data). Based on the majority of available evidence to date, this variant is likely to be pathogenic.

Baylor Genetics
Classification: Uncertain significance for Birt-Hogg-Dube syndrome 1. Last evaluated: 2023-05-04. Review status: criteria provided, single submitter. Criteria: ACMG Guidelines, 2015. Collection method: clinical testing. Allele origin: unknown.

MGZ Medical Genetics Center
Classification: Uncertain significance for Familial spontaneous pneumothorax. Last evaluated: 2022-08-18. Review status: criteria provided, single submitter. Criteria: ACMG Guidelines, 2015. Collection method: clinical testing. Allele origin: germline. Affected: yes. Observed: 1 variant allele.
Comment: ACMG criteria applied: PVS1_MOD, PM2_SUP

NM_144997.7(FLCN):c.871+132G>T

Gene: FLCN (folliculin; minus strand). Cytogenetic location: 17p11.2.
Variant type: single nucleotide variant.
Coding change: c.871+132G>T on transcript NM_144997.7 (MANE Select); 132 bases into the intron after coding-DNA position 871, G replaced by T.
Molecular consequence: intron variant. On other transcripts: nonsense (1).
Genome position (GRCh38, 1-based): chr17:17,221,405, C>A on the plus strand (G>T on the coding strand, the complement: FLCN is on the minus strand). VCF-style: chr17-17221405-C-A. GRCh37 (hg19) VCF-style: chr17-17124719-C-A.
Other names: c.1003G>T, p.Glu335Ter (NM_144606.7); c.871+132G>T (NM_001353231.2, NM_001353230.2, NM_144997.5); c.925+132G>T (NM_001353229.2); short protein forms E335*.
Identifiers: ClinVar variation 1709707 (VCV001709707.7), dbSNP rs1460258176, ClinGen allele CA398533322.